The following is an entry in ClinVar:

NM_001040151.2(SCN3B):c.438C>A (p.Thr146=)

Gene: SCN3B (sodium voltage-gated channel beta subunit 3; minus strand). Cytogenetic location: 11q24.1.
Variant type: single nucleotide variant.
Coding change: c.438C>A on transcript NM_001040151.2 (MANE Select); coding-DNA position 438, C replaced by A.
Protein change: p.Thr146=; no amino-acid change (threonine 146 retained).
Molecular consequence: synonymous variant.
Genome position (GRCh38, 1-based): chr11:123,642,453, G>T on the plus strand (C>A on the coding strand, the complement: SCN3B is on the minus strand). VCF-style: chr11-123642453-G-T. GRCh37 (hg19) VCF-style: chr11-123513161-G-T.
Other names: p.T146T:ACC>ACA; c.438C>A, p.Thr146= (NM_018400.4).
Identifiers: ClinVar variation 139034 (VCV000139034.1), dbSNP rs1275085, ClinGen allele CA293300.

ClinVar aggregate classification (germline): Benign (1 of 4 stars; one submission).

Allele frequency attached by ClinVar (database versions not stated): TOPMed 0.00001.
gnomAD v4.1: 6 of 1,613,878 alleles (0.00037%); highest among the groups gnomAD compares: East Asian, 0.0045%; no homozygotes.

Submission:

GeneDx
Classification: Benign. Last evaluated: 2013-09-24. Review status: criteria provided, single submitter. Criteria: GeneDx Variant Classification (06012015). Collection method: clinical testing. Allele origin: germline. Affected: yes.
Comment: This variant is considered likely benign or benign based on one or more of the following criteria: it is a conservative change, it occurs at a poorly conserved position in the protein, it is predicted to be benign by multiple in silico algorithms, and/or has population frequency not consistent with disease.